The following is an entry in ClinVar:

ClinVar aggregate classification (germline): Pathogenic (1 of 4 stars; one submission).

Conditions:
Cohen syndrome (COH1). Also called: PEPPER SYNDROME; Cutis verticis gyrata, retinitis pigmentosa, and sensorineural deafness. Identifiers: Orphanet 193, MedGen C0265223, MONDO:0008999, OMIM 216550.

Submission:

Labcorp Genetics (formerly Invitae), Labcorp
Classification: Pathogenic for Cohen syndrome. Last evaluated: 2019-09-15. Review status: criteria provided, single submitter. Criteria: Invitae Variant Classification Sherloc (09022015). Collection method: clinical testing. Allele origin: germline.
Comment: For these reasons, this variant has been classified as Pathogenic. Loss-of-function variants in VPS13B are known to be pathogenic (PMID: 15141358, 16648375, 20461111). This variant has not been reported in the literature in individuals with VPS13B-related conditions. This variant is not present in population databases (ExAC no frequency). This sequence change creates a premature translational stop signal (p.Lys843Ilefs*8) in the VPS13B gene. It is expected to result in an absent or disrupted protein product.

Literature cited by the submitters: PubMed 15141358; PubMed 16648375; PubMed 20461111.

NM_152564.5(VPS13B):c.2527_2528insT (p.Lys843fs)

Gene: VPS13B (vacuolar protein sorting 13 homolog B; plus strand). Cytogenetic location: 8q22.2.
Variant type: Insertion.
Coding change: c.2527_2528insT on transcript NM_152564.5 (MANE Select); coding-DNA positions 2527 to 2528, T inserted.
Protein change: p.Lys843fs; shifts the reading frame from lysine 843.
Molecular consequence: frameshift variant.
Genome position: GRCh38 VCF-style: chr8-99274209-A-AT. GRCh37 (hg19) VCF-style: chr8-100286437-A-AT.
Other names: c.2527_2528insT, p.Lys843fs (NM_017890.5); short protein forms K843fs.
Identifiers: ClinVar variation 943738 (VCV000943738.7), dbSNP rs1818768251, ClinGen allele CA1139660688.